The following is an entry in ClinVar:

NM_000059.4(BRCA2):c.7111dup (p.Ser2371fs)

Gene: BRCA2 (BRCA2 DNA repair associated; plus strand). Cytogenetic location: 13q13.1.
Variant type: Duplication.
Coding change: c.7111dup on transcript NM_000059.4 (MANE Select); coding-DNA position 7111, one base duplicated (T; older notation c.7111dupT).
Protein change: p.Ser2371fs; shifts the reading frame from serine 2371.
Molecular consequence: frameshift variant. On other transcripts: non-coding transcript variant (1).
Genome position (GRCh38, 1-based): chr13:32,354,964, T duplicated. VCF-style (leftmost placement, unchanged base first): chr13-32354963-A-AT. GRCh37 (hg19) VCF-style: chr13-32929100-A-AT.
Other names: c.7015dup, p.Ser2339fs (NM_001406719.1); c.7111dup, p.Ser2371fs (NM_001406720.1); c.2179dup, p.Ser727fs (NM_001406721.1); c.694dup, p.Ser232fs (NM_001406722.1); short protein forms S232fs, S2339fs, S2371fs, S727fs.
Identifiers: ClinVar variation 2573273 (VCV002573273.1), dbSNP rs2549554387, ClinGen allele CA2580614666.
Genomic context (GRCh38, chr13:32,354,963, plus strand): 5'-CGCACCTGGTCAAGAATTTCTGTCTAAATCTCATTTGTATGAACATCTGACTTTGGAAAA[A>AT]TCTTCAAGCAATTTAGCAGTTTCAGGACATCCATTTTATCAAGTTTCTGCTACAAGAAAT-3'

ClinVar aggregate classification (germline): Pathogenic (1 of 4 stars; one submission).

Conditions:
Breast-ovarian cancer, familial, susceptibility to, 2 (BROVCA2). Also called: BRCA2 Hereditary Breast and Ovarian Cancer. Identifiers: Orphanet 145, MedGen C2675520, MONDO:0012933, OMIM 612555. Disease mechanism: loss of function.

Submission:

Myriad Genetics, Inc.
Classification: Pathogenic for Breast-ovarian cancer, familial, susceptibility to, 2. Last evaluated: 2023-04-13. Review status: criteria provided, single submitter. Criteria: Myriad Autosomal Dominant, Autosomal Recessive and X-Linked Classification Criteria (2023). Collection method: clinical testing. Allele origin: unknown.
Comment: This variant is considered pathogenic. This variant creates a frameshift predicted to result in premature protein truncation.